The following is an entry in ClinVar:

NM_001378418.1(TCF20):c.5024G>C (p.Ser1675Thr)

Gene: TCF20 (transcription factor 20; minus strand). Cytogenetic location: 22q13.2.
Variant type: single nucleotide variant.
Coding change: c.5024G>C on transcript NM_001378418.1 (MANE Select); coding-DNA position 5024, G replaced by C.
Protein change: p.Ser1675Thr; replaces serine 1675 with threonine.
Molecular consequence: missense variant.
Genome position (GRCh38, 1-based): chr22:42,210,282, C>G on the plus strand (G>C on the coding strand, the complement: TCF20 is on the minus strand). VCF-style: chr22-42210282-C-G. GRCh37 (hg19) VCF-style: chr22-42606288-C-G.
Other names: c.5024G>C, p.Ser1675Thr (NM_005650.4, NM_181492.3); short protein forms S1675T.
Identifiers: ClinVar variation 2613883 (VCV002613883.5), dbSNP rs142975381, ClinGen allele CA10266551.

ClinVar aggregate classification (germline): Uncertain significance. Review status: criteria provided, multiple submitters, no conflicts (2 of 4 stars). 2 submissions from 2 submitters: Uncertain significance (2). Last evaluated 2023-11-27.

Conditions:
Inborn genetic diseases. Identifiers: MedGen C0950123, MeSH D030342.

Allele frequency attached by ClinVar (database versions not stated): gnomAD exomes below 0.00001; ExAC 0.00001; gnomAD 0.00002; TOPMed 0.00004; ESP Exome Variant Server 0.00008.
gnomAD v4.1: 5 of 1,614,070 alleles (0.00031%); highest among the groups gnomAD compares: African/African-American, 0.0067%; no homozygotes.

Submissions (2):

Labcorp Genetics (formerly Invitae), Labcorp
Classification: Uncertain significance. Last evaluated: 2023-11-27. Review status: criteria provided, single submitter. Criteria: Invitae Variant Classification Sherloc (09022015). Collection method: clinical testing. Allele origin: germline.
Comment: This sequence change replaces serine, which is neutral and polar, with threonine, which is neutral and polar, at codon 1675 of the TCF20 protein (p.Ser1675Thr). This variant is present in population databases (rs142975381, gnomAD 0.007%). This variant has not been reported in the literature in individuals affected with TCF20-related conditions. An algorithm developed to predict the effect of missense changes on protein structure and function (PolyPhen-2) suggests that this variant is likely to be tolerated. In summary, the available evidence is currently insufficient to determine the role of this variant in disease. Therefore, it has been classified as a Variant of Uncertain Significance.

Ambry Genetics
Classification: Uncertain significance for Inborn genetic diseases. Last evaluated: 2023-07-25. Review status: criteria provided, single submitter. Criteria: Ambry Variant Classification Scheme 2023. Collection method: clinical testing. Allele origin: germline.